The following is an entry in ClinVar:

ClinVar aggregate classification (germline): Uncertain significance. Review status: criteria provided, multiple submitters, no conflicts (2 of 4 stars). 2 submissions from 2 submitters: Uncertain significance (2). Last evaluated 2025-08-07.

Allele frequency attached by ClinVar (database versions not stated): gnomAD 0.00021; TOPMed 0.00021; ExAC 0.00023; gnomAD exomes 0.00023; ESP Exome Variant Server 0.00024.
gnomAD v4.1: 358 of 1,612,440 alleles (0.022%); highest among the groups gnomAD compares: Non-Finnish European, 0.027%; no homozygotes.

Submissions (2):

Ambry Genetics
Classification: Uncertain significance. Last evaluated: 2025-08-07. Review status: criteria provided, single submitter. Criteria: Ambry Variant Classification Scheme 2023. Collection method: clinical testing. Allele origin: germline.

Greenwood Genetic Center Diagnostic Laboratories, Greenwood Genetic Center
Classification: Uncertain significance. Last evaluated: 2023-12-13. Review status: criteria provided, single submitter. Criteria: ACMG Guidelines, 2015. Collection method: clinical testing. Allele origin: germline. Affected: yes.
Comment: BP4

NM_001367498.1(CNTNAP5):c.3781C>T (p.Arg1261Trp)

Gene: CNTNAP5 (contactin associated protein family member 5; plus strand). Cytogenetic location: 2q14.3.
Variant type: single nucleotide variant.
Coding change: c.3781C>T on transcript NM_001367498.1 (MANE Select); coding-DNA position 3781, C replaced by T.
Protein change: p.Arg1261Trp; replaces arginine 1261 with tryptophan.
Molecular consequence: missense variant.
Genome position (GRCh38, 1-based): chr2:124,914,145, C>T. VCF-style: chr2-124914145-C-T. GRCh37 (hg19) VCF-style: chr2-125671722-C-T.
Other names: c.3778C>T, p.Arg1260Trp (NM_130773.4); short protein forms R1260W, R1261W.
Identifiers: ClinVar variation 2592376 (VCV002592376.4), dbSNP rs201418873, ClinGen allele CA1856532.